The following is an entry in ClinVar:

ClinVar aggregate classification (germline): Uncertain significance (1 of 4 stars; one submission).

Submission:

ISCA Site 6
Classification: Uncertain significance. Last evaluated: 2011-08-12. Review status: criteria provided, single submitter. Criteria: Kaminsky et al. (Genet Med. 2011). Collection method: clinical testing. Allele origin: maternal. Affected: yes. Observed: 1 variant allele.
Comment: Copy number variation identified through the course of routine clinical cytogenomic testing in postnatal populations. Clinical assertions have been curated as described in Kaminsky et al. 2011.

GRCh38/hg38 3p14.1(chr3:65790274-66728325)x3

Genes: LRIG1 (leucine rich repeats and immunoglobulin like domains 1; minus strand), MAGI1 (membrane associated guanylate kinase, WW and PDZ domain containing 1; minus strand), MAGI1-AS1 (MAGI1 antisense RNA 1; plus strand), MAGI1-IT1 (MAGI1 intronic transcript 1; minus strand), SLC25A26 (solute carrier family 25 member 26; plus strand) and 18 more. Cytogenetic location: 3p14.1.
Variant type: copy number gain.
Change: copy number 3 (three copies instead of two) of chr3:65,790,274-66,728,325 (938.1 kb, GRCh38 coordinates, 1-based), cytogenetic band 3p14.1.
Identifiers: ClinVar variation 57732 (VCV000057732.2).